The following is an entry in ClinVar:

NM_000038.6(APC):c.774G>T (p.Glu258Asp)

Gene: APC (APC regulator of Wnt signaling pathway; plus strand). Cytogenetic location: 5q22.2.
Variant type: single nucleotide variant.
Coding change: c.774G>T on transcript NM_000038.6 (MANE Select); coding-DNA position 774, G replaced by T.
Protein change: p.Glu258Asp; replaces glutamic acid 258 with aspartic acid.
Molecular consequence: missense variant. On other transcripts: 5 prime UTR variant (1).
Genome position (GRCh38, 1-based): chr5:112,801,323, G>T. VCF-style: chr5-112801323-G-T. GRCh37 (hg19) VCF-style: chr5-112137020-G-T.
Other names: c.774G>T, p.Glu258Asp (NM_001127510.3, NM_001354895.2, NM_001354896.2 and 1 more transcripts); c.720G>T, p.Glu240Asp (NM_001127511.3); c.804G>T, p.Glu268Asp (NM_001354897.2, NM_001354902.2); c.699G>T, p.Glu233Asp (NM_001354898.2, NM_001354904.2); c.690G>T, p.Glu230Asp (NM_001354899.2); c.597G>T, p.Glu199Asp (NM_001354900.2, NM_001354901.2, NM_001354905.2); c.-262G>T (NM_001354906.2); short protein forms E199D, E230D, E258D, E240D, E233D, E268D.
Identifiers: ClinVar variation 846254 (VCV000846254.11), dbSNP rs1760798721, ClinGen allele CA16023025.

ClinVar aggregate classification (germline): Uncertain significance (1 of 4 stars; one submission).

Conditions:
Familial adenomatous polyposis 1 (FAP1). Also called: FAMILIAL ADENOMATOUS POLYPOSIS 1, ATTENUATED; POLYPOSIS, ADENOMATOUS INTESTINAL. Identifiers: MedGen C2713442, MONDO:0021056, OMIM 175100. Disease mechanism: loss of function.

Submission:

Labcorp Genetics (formerly Invitae), Labcorp
Classification: Uncertain significance for Familial adenomatous polyposis 1. Last evaluated: 2019-11-27. Review status: criteria provided, single submitter. Criteria: Invitae Variant Classification Sherloc (09022015). Collection method: clinical testing. Allele origin: germline.
Comment: In summary, the available evidence is currently insufficient to determine the role of this variant in disease. Therefore, it has been classified as a Variant of Uncertain Significance. Algorithms developed to predict the effect of missense changes on protein structure and function (SIFT, PolyPhen-2, Align-GVGD) all suggest that this variant is likely to be tolerated, but these predictions have not been confirmed by published functional studies and their clinical significance is uncertain. This variant has not been reported in the literature in individuals with APC-related conditions. This variant is not present in population databases (ExAC no frequency). This sequence change replaces glutamic acid with aspartic acid at codon 258 of the APC protein (p.Glu258Asp). The glutamic acid residue is highly conserved and there is a small physicochemical difference between glutamic acid and aspartic acid.